The following is an entry in ClinVar:

ClinVar aggregate classification (germline): Uncertain significance (1 of 4 stars; one submission).

Submission:

Labcorp Genetics (formerly Invitae), Labcorp
Classification: Uncertain significance. Last evaluated: 2023-02-16. Review status: criteria provided, single submitter. Criteria: Invitae Variant Classification Sherloc (09022015). Collection method: clinical testing. Allele origin: germline.
Comment: This variant has not been reported in the literature in individuals affected with PROM1-related conditions. Variants that disrupt the consensus splice site are a relatively common cause of aberrant splicing (PMID: 17576681, 9536098). Algorithms developed to predict the effect of sequence changes on RNA splicing suggest that this variant is not likely to affect RNA splicing. In summary, the available evidence is currently insufficient to determine the role of this variant in disease. Therefore, it has been classified as a Variant of Uncertain Significance. This sequence change falls in intron 21 of the PROM1 gene. It does not directly change the encoded amino acid sequence of the PROM1 protein. It affects a nucleotide within the consensus splice site. This variant is not present in population databases (gnomAD no frequency).

Literature cited by the submitters: PubMed 17576681; PubMed 9536098.

NM_006017.3(PROM1):c.2280+4A>T

Gene: PROM1 (prominin 1; minus strand). Cytogenetic location: 4p15.32.
Variant type: single nucleotide variant.
Coding change: c.2280+4A>T on transcript NM_006017.3 (MANE Select); 4 bases into the intron after coding-DNA position 2280, A replaced by T.
Molecular consequence: intron variant.
Genome position (GRCh38, 1-based): chr4:15,985,756, T>A on the plus strand (A>T on the coding strand, the complement: PROM1 is on the minus strand). VCF-style: chr4-15985756-T-A. GRCh37 (hg19) VCF-style: chr4-15987379-T-A.
Other names: c.2253+4A>T (NM_001145848.2, NM_001145852.2, NM_001145847.2 and 4 more transcripts); c.2280+4A>T (NM_001145850.2, NM_001145849.2).
Identifiers: ClinVar variation 2838257 (VCV002838257.3), dbSNP rs2475037698, ClinGen allele CA2739265876.
Genomic context (GRCh38, chr4:15,985,756, plus strand): 5'-CCCTAGAAAATGGCTATCCTGAAACTTGACCCCCCTTAACATTCATAAAAGATAAACTAC[T>A]TACAGAGAACTCGATCCACTGCAGATAATGTTCAAAATATCCTATTATTGTTCTCCCATA-3'